The following is an entry in ClinVar:

NM_000466.3(PEX1):c.2114T>G (p.Leu705Trp)

Gene: PEX1 (peroxisomal biogenesis factor 1; minus strand). Cytogenetic location: 7q21.2.
Variant type: single nucleotide variant.
Coding change: c.2114T>G on transcript NM_000466.3 (MANE Select); coding-DNA position 2114, T replaced by G.
Protein change: p.Leu705Trp; replaces leucine 705 with tryptophan.
Molecular consequence: missense variant.
Genome position (GRCh38, 1-based): chr7:92,503,153, A>C on the plus strand (T>G on the coding strand, the complement: PEX1 is on the minus strand). VCF-style: chr7-92503153-A-C. GRCh37 (hg19) VCF-style: chr7-92132467-A-C.
Other names: c.1943T>G, p.Leu648Trp (NM_001282677.2); c.1490T>G, p.Leu497Trp (NM_001282678.2); short protein forms L705W, L648W, L497W.
Identifiers: ClinVar variation 217428 (VCV000217428.14), dbSNP rs863225084, ClinGen allele CA279184.

ClinVar aggregate classification (germline): Conflicting classifications of pathogenicity. Review status: criteria provided, conflicting classifications (1 of 4 stars). 6 submissions from 6 submitters: Likely pathogenic (1); Uncertain significance (3). 2 of the submissions do not count toward it. Last evaluated 2026-02-02.

Conditions:
PEX1-related disorder. Also called: PEX1-related condition.
Zellweger spectrum disorders (ZS). Also called: Zellweger Spectrum Disorder; Zellweger Spectrum; Zellweger Spectrum Disorder (ZSD); Zellweger syndrome. Identifiers: Orphanet 912, MedGen C0043459, MONDO:0019609.
Heimler syndrome 1 (HMLR1). Also called: PEROXISOME BIOGENESIS DISORDER 1C. Identifiers: Orphanet 3220, MedGen C4551980, OMIM 234580, MONDO:0024544.
Peroxisome biogenesis disorder. Identifiers: Orphanet 79189, MedGen C1832200, MONDO:0019234. Disease mechanism: loss of function.

Allele frequency attached by ClinVar (database versions not stated): gnomAD exomes below 0.00001; TOPMed below 0.00001.

Submissions (6):

Myriad Genetics, Inc.
Classification: Uncertain significance for Peroxisome biogenesis disorder. Last evaluated: 2026-02-02. Review status: criteria provided, single submitter. Criteria: Myriad Autosomal Dominant, Autosomal Recessive and X-Linked Classification Criteria (2023). Collection method: clinical testing. Allele origin: unknown.
Comment: NM_000466.2(PEX1):c.2114T>G(L705W) is a missense variant classified as a variant of uncertain significance in the context of peroxisome biogenesis disorder type 1. L705W has been observed in cases with relevant disease (PMID: 26387595). Relevant functional assessments of this variant are available in the literature (PMID: 26387595). L705W has been observed in referenced population frequency databases. In summary, there is insufficient evidence to classify NM_000466.2(PEX1):c.2114T>G(L705W) as pathogenic or benign. Please note: this variant was assessed in the context of healthy population screening.

Women's Health and Genetics/Laboratory Corporation of America, LabCorp
Classification: Uncertain significance. Last evaluated: 2024-07-29. Review status: criteria provided, single submitter. Criteria: LabCorp Variant Classification Summary - May 2015. Collection method: clinical testing. Allele origin: germline.
Comment: Variant summary: PEX1 c.2114T>G (p.Leu705Trp) results in a non-conservative amino acid change located in the AAA+ ATPase domain (IPR003593) of the encoded protein sequence. Four of five in-silico tools predict a damaging effect of the variant on protein function. The variant allele was found at a frequency of 4e-06 in 251212 control chromosomes. c.2114T>G has been reported in the literature in compound heterozygous individuals affected with Heimler Syndrome 1 (Ratbi_2015). These data indicate that the variant may be associated with disease. At least one publication reports experimental evidence evaluating an impact on protein function. The most pronounced variant effect results in ~60% of normal activity (Ratbi_2015). The following publication has been ascertained in the context of this evaluation (PMID: 26387595). ClinVar contains an entry for this variant (Variation ID: 217428). Based on the evidence outlined above, the variant was classified as VUS-possibly pathogenic.

Labcorp Genetics (formerly Invitae), Labcorp
Classification: Uncertain significance for Zellweger spectrum disorders. Last evaluated: 2022-08-22. Review status: criteria provided, single submitter. Criteria: Invitae Variant Classification Sherloc (09022015). Collection method: clinical testing. Allele origin: germline.
Comment: This sequence change replaces leucine, which is neutral and non-polar, with tryptophan, which is neutral and slightly polar, at codon 705 of the PEX1 protein (p.Leu705Trp). This variant is present in population databases (no rsID available, gnomAD 0.0009%). This missense change has been observed in individual(s) with Heimler syndrome (PMID: 26387595). In at least one individual the data is consistent with being in trans (on the opposite chromosome) from a pathogenic variant. It has also been observed to segregate with disease in related individuals. ClinVar contains an entry for this variant (Variation ID: 217428). Algorithms developed to predict the effect of missense changes on protein structure and function are either unavailable or do not agree on the potential impact of this missense change (SIFT: "Deleterious"; PolyPhen-2: "Probably Damaging"; Align-GVGD: "Class C0"). In summary, the available evidence is currently insufficient to determine the role of this variant in disease. Therefore, it has been classified as a Variant of Uncertain Significance.

Blueprint Genetics
Classification: Likely pathogenic for PEX1-related disorders. Last evaluated: 2017-09-28. Review status: criteria provided, single submitter. Criteria: ACMG Guidelines, 2015. Collection method: clinical testing. Allele origin: germline. Affected: yes. Observed: 1 variant allele.

PreventionGenetics, part of Exact Sciences
Classification: Likely pathogenic for PEX1-related condition. Last evaluated: 2023-11-27. Review status: no assertion criteria provided. Collection method: clinical testing. Allele origin: germline. Not counted in ClinVar's aggregate classification.
Comment: The PEX1 c.2114T>G variant is predicted to result in the amino acid substitution p.Leu705Trp. This variant was reported in compound heterozygous state with a PEX1 loss-of-function variant in an individual with Heimler syndrome (Ratbi et al 2015. PubMed ID: 26387595). This variant shows partial loss of function (around 60% of wild type) and therefore is assessed as a hypomorphic allele that would cause disease if in compound heterozygous state with a loss-of-function allele (Figure 4, Ratbi et al 2015. PubMed ID: 26387595). This variant is reported in 0.00088% of alleles in individuals of European (Non-Finnish) descent in gnomAD. This variant is interpreted as likely pathogenic.

OMIM
Classification: Pathogenic for HEIMLER SYNDROME 1. Last evaluated: 2015-10-01. Review status: no assertion criteria provided. Collection method: literature only. Allele origin: germline. Not counted in ClinVar's aggregate classification.

Literature cited by the submitters: PubMed 26387595 (cited by 4 submitters).